The following is an entry in ClinVar:

NM_001009944.3(PKD1):c.11412-1G>A

Genes: PKD1 (polycystin 1, transient receptor potential channel interacting; minus strand), PKD1-AS1 (PKD1 antisense RNA 1; plus strand). Cytogenetic location: 16p13.3.
Variant type: single nucleotide variant.
Coding change: c.11412-1G>A on transcript NM_001009944.3 (MANE Select); the canonical splice acceptor site of the intron before coding-DNA position 11412, G replaced by A.
Molecular consequence: splice acceptor variant.
Genome position (GRCh38, 1-based): chr16:2,091,907, C>T on the plus strand (G>A on the coding strand, the complement: PKD1 is on the minus strand). VCF-style: chr16-2091907-C-T. GRCh37 (hg19) VCF-style: chr16-2141908-C-T.
Other names: c.11412-1G>A (NM_001009944.2); c.11409-1G>A (NM_000296.4).
Identifiers: ClinVar variation 3578934 (VCV003578934.3).

ClinVar aggregate classification (germline): Pathogenic/Likely pathogenic. Review status: criteria provided, multiple submitters, no conflicts (2 of 4 stars). 3 submissions from 3 submitters: Pathogenic (2); Likely pathogenic (1). Last evaluated 2025-02-05.

Conditions:
PKD1-related disorder. Also called: PKD1-related condition.
Polycystic kidney disease, adult type (PKD1). Also called: Polycystic Kidney Disease 1, Autosomal Dominant; Polycystic kidney disease 1; Polycystic kidney disease 1, severe; Polycystic Kidney, Autosomal Dominant; POLYCYSTIC KIDNEY DISEASE, ADULT, TYPE I; POLYCYSTIC KIDNEY DISEASE 1 WITH OR WITHOUT POLYCYSTIC LIVER DISEASE. Identifiers: MedGen C3149841, MONDO:0008263, OMIM 173900.

Submissions (3):

PreventionGenetics, part of Exact Sciences
Classification: Pathogenic for PKD1-related condition. Last evaluated: 2025-02-05. Review status: criteria provided, single submitter. Criteria: ACMG Guidelines, 2015. Collection method: clinical testing. Allele origin: germline.
Comment: The PKD1 c.11412-1G>A variant is predicted to disrupt the AG splice acceptor site and interfere with normal splicing. This variant has been reported in individuals with autosomal dominant polycystic kidney disease (ADPKD) (reported as IVS40-1G>A in Rossetti et al. 2002. PubMed ID: 11967008; Supplementary Data, Lindemann et al. 2022. PubMed ID: 36938073). This variant has not been reported in a large population database (gnomAD), indicating this variant is rare. Variants that disrupt the consensus splice acceptor site in PKD1 are expected to be pathogenic. This variant is interpreted as pathogenic.

Fulgent Genetics
Classification: Pathogenic for Polycystic kidney disease, adult type. Last evaluated: 2024-02-08. Review status: criteria provided, single submitter. Criteria: ACMG Guidelines, 2015. Collection method: clinical testing. Allele origin: germline.

Blueprint Genetics
Classification: Likely pathogenic for PKD1-related disorders. Last evaluated: 2023-06-22. Review status: criteria provided, single submitter. Criteria: ACMG Guidelines, 2015. Collection method: clinical testing. Allele origin: germline. Affected: yes. Observed: 1 variant allele.